The following is an entry in ClinVar:

NM_002887.4(RARS1):c.1798T>A (p.Tyr600Asn)

Gene: RARS1 (arginyl-tRNA synthetase 1; plus strand). Cytogenetic location: 5q34.
Variant type: single nucleotide variant.
Coding change: c.1798T>A on transcript NM_002887.4 (MANE Select); coding-DNA position 1798, T replaced by A.
Protein change: p.Tyr600Asn; replaces tyrosine 600 with asparagine.
Molecular consequence: missense variant.
Genome position (GRCh38, 1-based): chr5:168,517,987, T>A. VCF-style: chr5-168517987-T-A. GRCh37 (hg19) VCF-style: chr5-167944992-T-A.
Other names: short protein forms Y600N.
Identifiers: ClinVar variation 3381264 (VCV003381264.1).

ClinVar aggregate classification (germline): Uncertain significance (1 of 4 stars; one submission).

Submission:

GeneDx
Classification: Uncertain significance. Last evaluated: 2024-05-24. Review status: criteria provided, single submitter. Criteria: GeneDx Variant Classification Process June 2021. Collection method: clinical testing. Allele origin: germline. Affected: yes.
Comment: Not observed at significant frequency in large population cohorts (gnomAD); In silico analysis supports that this missense variant has a deleterious effect on protein structure/function; Has not been previously published as pathogenic or benign to our knowledge